The following is an entry in ClinVar:

ClinVar aggregate classification (germline): Pathogenic. Review status: criteria provided, multiple submitters, no conflicts (2 of 4 stars). 10 submissions from 10 submitters: Pathogenic (10). Last evaluated 2025-11-19.

Conditions:
KMT2D-related disorder. Also called: KMT2D-Related Disorders.
Kabuki syndrome. Also called: Kabuki make-up syndrome; NIIKAWA-KUROKI SYNDROME. Identifiers: Orphanet 2322, MedGen C0796004, MONDO:0016512.
Inborn genetic diseases. Identifiers: MedGen C0950123, MeSH D030342.
Kabuki syndrome 1 (KABUK1). Also called: KMT2D-Related Kabuki Syndrome. Identifiers: Orphanet 2322, MedGen CN030661, MONDO:0007843, OMIM 147920.

Submissions (10):

GeneDx
Classification: Pathogenic. Last evaluated: 2025-11-19. Review status: criteria provided, single submitter. Criteria: GeneDx Variant Classification Process June 2021. Collection method: clinical testing. Allele origin: germline. Affected: yes.
Comment: De novo variant with confirmed parentage in a patient with schizophrenia in published literature, reported using MLL2 as an alternate gene name (PMID: 24776741); Not observed at significant frequency in large population cohorts (gnomAD); Nonsense variant predicted to result in protein truncation or nonsense mediated decay in a gene for which loss of function is a known mechanism of disease; This variant is associated with the following publications: (PMID: 21280141, 33057194, 35982159, 33314698, 27302555, 34930662, 24776741, 24633898, 41061959)

Dasa
Classification: Pathogenic. Last evaluated: 2025-03-08. Review status: criteria provided, single submitter. Criteria: DASA Assertion Criteria. Collection method: clinical testing. Allele origin: germline.
Comment: NM_003482.4(KMT2D):c.15079C>T (p.Arg5027*) introduces a premature termination codon predicted to result in loss of normal protein function. Loss-of-function is an established mechanism of disease for this gene. De novo occurrence has been reported in an individual with related phenotype. This variant has been recurrently observed in individuals with related phenotype (PMID: 21280141; PMID: 27302555). The variant is present at low frequency in population datasets. Based on the available data, this variant is classified as pathogenic.

Baylor Genetics
Classification: Pathogenic for Kabuki syndrome 1. Last evaluated: 2023-12-12. Review status: criteria provided, single submitter. Criteria: ACMG Guidelines, 2015. Collection method: clinical testing. Allele origin: unknown.

Labcorp Genetics (formerly Invitae), Labcorp
Classification: Pathogenic for Kabuki syndrome. Last evaluated: 2023-06-09. Review status: criteria provided, single submitter. Criteria: Invitae Variant Classification Sherloc (09022015). Collection method: clinical testing. Allele origin: germline.
Comment: For these reasons, this variant has been classified as Pathogenic. ClinVar contains an entry for this variant (Variation ID: 211319). This premature translational stop signal has been observed in individual(s) with Kabuki syndrome (PMID: 21280141, 27302555). In at least one individual the variant was observed to be de novo. This variant is not present in population databases (gnomAD no frequency). This sequence change creates a premature translational stop signal (p.Arg5027*) in the KMT2D gene. It is expected to result in an absent or disrupted protein product. Loss-of-function variants in KMT2D are known to be pathogenic (PMID: 22126750).

Blueprint Genetics
Classification: Pathogenic for KMT2D-related disorders. Last evaluated: 2023-02-01. Review status: criteria provided, single submitter. Criteria: ACMG Guidelines, 2015. Collection method: clinical testing. Allele origin: germline. Affected: yes. Observed: 1 variant allele.

Victorian Clinical Genetics Services, Murdoch Childrens Research Institute
Classification: Pathogenic for Kabuki syndrome 1. Last evaluated: 2022-09-02. Review status: criteria provided, single submitter. Criteria: ACMG Guidelines, 2015. Collection method: clinical testing. Allele origin: germline. Inheritance: Autosomal dominant inheritance. Affected: yes.
Comment: Based on the classification scheme VCGS_Germline_v1.3.4, this variant is classified as Pathogenic. Following criteria are met: 0102 - Loss of function is a known mechanism of disease in this gene and is associated with Kabuki syndrome 1 (MIM#147920) (I) 0107 - This gene is associated with autosomal dominant disease. (I) 0201 - Variant is predicted to cause nonsense-mediated decay (NMD) and loss of protein (premature termination codon is located at least 54 nucleotides upstream of the final exon-exon junction). (SP) 0251 - This variant is heterozygous. (I) 0301 - Variant is absent from gnomAD (both v2 and v3). (SP) 0701 - Other NMD-predicted variants comparable to the one identified in this case have very strong previous evidence for pathogenicity (DECIPHER). (SP) 0801 - This variant has strong previous evidence of pathogenicity in unrelated individuals. This variant has been classified as pathogenic by four clinical laboratories in ClinVar, observed as de novo in one individual in DECIPHER, and identified in at least two individuals with Kabuki syndrome in the literature (PMIDs: 21280141, 32803813). (SP) 1208 - Inheritance information for this variant is not currently available in this individual. (I) Legend: (SP) - Supporting pathogenic, (I) - Information, (SB) - Supporting benign

Clinical Genetics Laboratory, Skane University Hospital Lund
Classification: Pathogenic. Last evaluated: 2022-05-27. Review status: criteria provided, single submitter. Criteria: ACMG Guidelines, 2015. Collection method: clinical testing. Allele origin: germline. Affected: yes.

Ambry Genetics
Classification: Pathogenic for Inborn genetic diseases. Last evaluated: 2020-02-28. Review status: criteria provided, single submitter. Criteria: Ambry Variant Classification Scheme 2023. Collection method: clinical testing. Allele origin: germline.
Comment: The alteration results in a premature stop codon: _x000D_ _x000D_ The c.15079C>T (p.R5027*) alteration, located in coding exon 48 of the KMT2D gene, results from a C to T substitution at nucleotide position 15079. This changes the amino acid from an arginine (R) to a stop codon at amino acid position 5027. This alteration is expected to result in loss of function by premature protein truncation or nonsense-mediated mRNA decay. The alteration is not observed in population databases: _x000D_ _x000D_ Based on data from the Genome Aggregation Database (gnomAD), the KMT2D c.15079C>T alteration was not observed, with coverage at this position. The alteration has been observed in affected individuals: _x000D_ _x000D_ This alteration has been reported in multiple affected individuals, and has been confirmed to be de novo in multiple cases (Paulussen, 2011; Micale, 2011; B&ouml;gershausen, 2016; Cocciadiferro, 2018). Based on the available evidence, this alteration is classified as pathogenic.

HudsonAlpha Institute for Biotechnology
Classification: Pathogenic for Kabuki syndrome 1. Last evaluated: 2019-12-12. Review status: criteria provided, single submitter. Criteria: ACMG Guidelines, 2015. Collection method: research. Allele origin: unknown. Affected: yes. Observed: 1 variant allele. Study: CSER-SouthSeq.
Comment: ACMG codes: PVS1, PS3, PM2, PP5

Genetic Services Laboratory, University of Chicago
Classification: Pathogenic for Kabuki syndrome 1. Last evaluated: 2014-07-08. Review status: criteria provided, single submitter. Criteria: ACMG Guidelines, 2015. Collection method: clinical testing. Allele origin: germline. Affected: yes.

Literature cited by the submitters: PubMed 21280141 (cited by 4 submitters); PubMed 27302555 (cited by 3 submitters); PubMed 22126750 (cited by Labcorp Genetics (formerly Invitae), Labcorp); PubMed 32803813 (cited by Victorian Clinical Genetics Services, Murdoch Childrens Research Institute); PubMed 21658225 (cited by Ambry Genetics); PubMed 30107592 (cited by Ambry Genetics).

NM_003482.4(KMT2D):c.15079C>T (p.Arg5027Ter)

Gene: KMT2D (lysine methyltransferase 2D; minus strand). Cytogenetic location: 12q13.12.
Variant type: single nucleotide variant.
Coding change: c.15079C>T on transcript NM_003482.4 (MANE Select); coding-DNA position 15079, C replaced by T.
Protein change: p.Arg5027Ter; replaces arginine 5027 with a stop codon.
Molecular consequence: nonsense.
Genome position (GRCh38, 1-based): chr12:49,026,887, G>A on the plus strand (C>T on the coding strand, the complement: KMT2D is on the minus strand). VCF-style: chr12-49026887-G-A. GRCh37 (hg19) VCF-style: chr12-49420670-G-A.
Other names: short protein forms R5027*.
Identifiers: ClinVar variation 211319 (VCV000211319.29), dbSNP rs797045659, ClinGen allele CA277305.